The following is an entry in ClinVar:

ClinVar aggregate classification (germline): Uncertain significance (1 of 4 stars; one submission).

Conditions:
Leigh syndrome (NULS). Also called: Leigh's necrotizing encephalopathy; Leigh's disease; Leigh Syndrome (mtDNA deletion); Leigh Disease; Subacute necrotizing encephalopathy; Necrotizing encephalopathy infantile subacute of Leigh. Identifiers: Orphanet 506, MedGen C2931891, MONDO:0009723, OMIM 256000.

Submission:

Wong Mito Lab, Molecular and Human Genetics, Baylor College of Medicine
Classification: Uncertain significance for Leigh syndrome. Last evaluated: 2019-10-17. Review status: criteria provided, single submitter. Criteria: Modified ACMG Guidelines (Unpublished). Collection method: clinical testing. Allele origin: germline.
Comment: The NC_012920.1:m.13159A>G (YP_003024036.1:p.Thr275Ala) variant in MTND5 gene is interpretated to be a Uncertain Significance variant based on the modified ACMG guidelines (unpublished). This variant meets the following evidence codes: PP7

NC_012920.1(MT-ND5):m.13159A>G

Gene: MT-ND5 (mitochondrially encoded NADH dehydrogenase 5; plus strand).
Variant type: single nucleotide variant.
Genome position: chrM-13159-A-G.
Identifiers: ClinVar variation 693530 (VCV000693530.1), dbSNP rs1603224070, ClinGen allele CA414816744.